The following is an entry in ClinVar:

NM_006386.5(DDX17):c.416del (p.Pro139fs)

Gene: DDX17 (DEAD-box helicase 17; minus strand). Cytogenetic location: 22q13.1.
Variant type: Deletion.
Coding change: c.416del on transcript NM_006386.5 (MANE Select); coding-DNA position 416, one base deleted (C; older notation c.416delC).
Protein change: p.Pro139fs; shifts the reading frame from proline 139.
Molecular consequence: frameshift variant.
Genome position (GRCh38, 1-based): chr22:38,501,152, G deleted on the plus strand (C on the coding strand, the reverse complement: DDX17 is on the minus strand); the first of 2 consecutive G bases (chr22:38,501,152-38,501,153); deleting either gives the same sequence. VCF-style (leftmost placement, unchanged base first): chr22-38501151-CG-C. GRCh37 (hg19) VCF-style: chr22-38897156-CG-C.
Other names: c.416del, p.Pro139fs (NM_001098504.2); short protein forms P139fs.
Identifiers: ClinVar variation 3378053 (VCV003378053.2).

ClinVar aggregate classification (germline): Pathogenic (1 of 4 stars; one submission).

Submission:

GeneDx
Classification: Pathogenic. Last evaluated: 2026-02-07. Review status: criteria provided, single submitter. Criteria: GeneDx Variant Classification Process June 2021. Collection method: clinical testing. Allele origin: germline. Affected: yes.
Comment: Frameshift variant predicted to result in protein truncation or nonsense mediated decay in a gene for which loss of function is a known mechanism of disease; Not observed at significant frequency in large population cohorts (gnomAD); Has not been previously published as pathogenic or benign to our knowledge